The following is an entry in ClinVar:

ClinVar aggregate classification (germline): Likely benign (1 of 4 stars; one submission).

Submission:

CeGaT Center for Human Genetics Tuebingen
Classification: Likely benign. Last evaluated: 2026-05-01. Review status: criteria provided, single submitter. Criteria: CeGaT Center For Human Genetics Tuebingen Variant Classification Criteria Version 2. Collection method: clinical testing. Allele origin: germline. Affected: yes. Observed: 1 variant allele.
Comment: RHOBTB2: PM2:Supporting, BP4, BP7

NM_015178.3(RHOBTB2):c.1632C>T (p.Pro544=)

Gene: RHOBTB2 (Rho related BTB domain containing 2; plus strand). Cytogenetic location: 8p21.3.
Variant type: single nucleotide variant.
Coding change: c.1632C>T on transcript NM_015178.3 (MANE Select); coding-DNA position 1632, C replaced by T.
Protein change: p.Pro544=; no amino-acid change (proline 544 retained).
Molecular consequence: synonymous variant.
Genome position (GRCh38, 1-based): chr8:23,010,549, C>T. VCF-style: chr8-23010549-C-T. GRCh37 (hg19) VCF-style: chr8-22868062-C-T.
Other names: c.1698C>T, p.Pro566= (NM_001160036.2); c.1653C>T, p.Pro551= (NM_001160037.2); c.1632C>T, p.Pro544= (NM_001374791.1).
Identifiers: ClinVar variation 4873548 (VCV004873548.2).
Genomic context (GRCh38, chr8:23,010,549, plus strand): 5'-TCTCCTAAGCAGGATCTCATTGCTGTCCGCTCACTCCTTCCCTCCCCAGGTGGTGTTTCC[C>T]TACACAAGCAAGAGCTGCATGCGGGCCGTGCTGGAATACCTCTACACCGGCATGTTCACC-3'
Protein context (NP_055993.2, residues 534-554): VESSTREVVF[Pro544=]YTSKSCMRAV